The following is an entry in ClinVar:

NM_006231.4(POLE):c.1143G>C (p.Leu381=)

Gene: POLE (DNA polymerase epsilon, catalytic subunit; minus strand). Cytogenetic location: 12q24.33.
Variant type: single nucleotide variant.
Coding change: c.1143G>C on transcript NM_006231.4 (MANE Select); coding-DNA position 1143, G replaced by C.
Protein change: p.Leu381=; no amino-acid change (leucine 381 retained).
Molecular consequence: synonymous variant.
Genome position (GRCh38, 1-based): chr12:132,675,481, C>G on the plus strand (G>C on the coding strand, the complement: POLE is on the minus strand). VCF-style: chr12-132675481-C-G. GRCh37 (hg19) VCF-style: chr12-133252067-C-G.
Identifiers: ClinVar variation 1088191 (VCV001088191.12), dbSNP rs1555229118, ClinGen allele CA482849709.

ClinVar aggregate classification (germline): Benign/Likely benign. Review status: criteria provided, multiple submitters, no conflicts (2 of 4 stars). 3 submissions from 3 submitters: Benign (1); Likely benign (2). Last evaluated 2025-03-14.

Conditions:
Colorectal cancer, susceptibility to, 12 (CRCS12). Also called: COLORECTAL CANCER, SUSCEPTIBILITY TO, ON CHROMOSOME 12q24. Identifiers: Orphanet 220460, MedGen C3554460, MONDO:0014038, OMIM 615083.
Hereditary cancer-predisposing syndrome. Also called: Hereditary Cancer Syndrome; Neoplastic Syndromes, Hereditary; Hereditary neoplastic syndrome; Tumor predisposition. Identifiers: Orphanet 140162, MedGen C0027672, MeSH D009386, MONDO:0015356.

Submissions (3):

Labcorp Genetics (formerly Invitae), Labcorp
Classification: Likely benign. Last evaluated: 2025-03-14. Review status: criteria provided, single submitter. Criteria: Invitae Variant Classification Sherloc (09022015). Collection method: clinical testing. Allele origin: germline.

Myriad Genetics, Inc.
Classification: Benign for Colorectal cancer, susceptibility to, 12. Last evaluated: 2025-02-10. Review status: criteria provided, single submitter. Criteria: Myriad Autosomal Dominant, Autosomal Recessive and X-Linked Classification Criteria (2023). Collection method: clinical testing. Allele origin: unknown.
Comment: This variant is considered benign. This variant is a silent/synonymous amino acid change and it is not expected to impact splicing.

Ambry Genetics
Classification: Likely benign for Hereditary cancer-predisposing syndrome. Last evaluated: 2021-02-18. Review status: criteria provided, single submitter. Criteria: Ambry Variant Classification Scheme 2023. Collection method: clinical testing. Allele origin: germline.